The following is an entry in ClinVar:

ClinVar aggregate classification (germline): Pathogenic (1 of 4 stars; one submission).

Conditions:
ALG6-congenital disorder of glycosylation 1C (CDG1C). Also called: Congenital disorder of glycosylation, type Ic; CDG Ic; CARBOHYDRATE-DEFICIENT GLYCOPROTEIN SYNDROME, TYPE I, WITH DEFICIENT GLYCOSYLATION OF DOLICHOL-LINKED OLIGOSACCHARIDE; CARBOHYDRATE-DEFICIENT GLYCOPROTEIN SYNDROME, TYPE V; Congenital disorder of glycosylation type 1C. Identifiers: Orphanet 79320, MedGen C2930997, MONDO:0011291, OMIM 603147.

Allele frequency attached by ClinVar (database versions not stated): gnomAD exomes below 0.00001.

Submission:

Labcorp Genetics (formerly Invitae), Labcorp
Classification: Pathogenic for ALG6-congenital disorder of glycosylation 1C. Last evaluated: 2022-07-09. Review status: criteria provided, single submitter. Criteria: Invitae Variant Classification Sherloc (09022015). Collection method: clinical testing. Allele origin: germline.
Comment: For these reasons, this variant has been classified as Pathogenic. Algorithms developed to predict the effect of sequence changes on RNA splicing suggest that this variant may disrupt the consensus splice site. This variant has not been reported in the literature in individuals affected with ALG6-related conditions. This variant is not present in population databases (gnomAD no frequency). This sequence change creates a premature translational stop signal (p.Gln297*) in the ALG6 gene. It is expected to result in an absent or disrupted protein product. Loss-of-function variants in ALG6 are known to be pathogenic (PMID: 19862844).

Literature cited by the submitters: PubMed 19862844.

NM_013339.4(ALG6):c.889C>T (p.Gln297Ter)

Gene: ALG6 (ALG6 alpha-1,3-glucosyltransferase; plus strand). Cytogenetic location: 1p31.3.
Variant type: single nucleotide variant.
Coding change: c.889C>T on transcript NM_013339.4 (MANE Select); coding-DNA position 889, C replaced by T.
Protein change: p.Gln297Ter; replaces glutamine 297 with a stop codon.
Molecular consequence: nonsense.
Genome position (GRCh38, 1-based): chr1:63,414,133, C>T. VCF-style: chr1-63414133-C-T. GRCh37 (hg19) VCF-style: chr1-63879804-C-T.
Other names: short protein forms Q297*.
Identifiers: ClinVar variation 2167373 (VCV002167373.5), dbSNP rs2523755663, ClinGen allele CA340636711.